The following is an entry in ClinVar:

NM_000384.3(APOB):c.3000-7T>C

Gene: APOB (apolipoprotein B; minus strand). Cytogenetic location: 2p24.1.
Variant type: single nucleotide variant.
Coding change: c.3000-7T>C on transcript NM_000384.3 (MANE Select); 7 bases into the intron before coding-DNA position 3000, T replaced by C.
Molecular consequence: intron variant.
Genome position (GRCh38, 1-based): chr2:21,019,120, A>G on the plus strand (T>C on the coding strand, the complement: APOB is on the minus strand). VCF-style: chr2-21019120-A-G. GRCh37 (hg19) VCF-style: chr2-21241992-A-G.
Identifiers: ClinVar variation 4890878 (VCV004890878.1).

ClinVar aggregate classification (germline): Uncertain significance (1 of 4 stars; one submission).

Conditions:
Familial hypercholesterolemia. Also called: Familial hypercholesterolaemia; Familial hypercholesterolemias. Identifiers: MedGen C0020445, MONDO:0005439.

gnomAD v4.1: 16 of 1,614,018 alleles (0.00099%); highest among the groups gnomAD compares: Non-Finnish European, 0.0014%; no homozygotes.

Submission:

Cambridge Genomics Laboratory, East Genomic Laboratory Hub, NHS Genomic Medicine Service
Classification: Uncertain significance for Familial hypercholesterolaemia. Last evaluated: 2026-08-17. Review status: criteria provided, single submitter. Criteria: ACGS Best Practice Guidelines for Variant Classification in Rare Disease 2020. Collection method: clinical testing. Allele origin: germline. Affected: yes.
Comment: PM2_Supporting